The following is an entry in ClinVar:

NM_152703.5(SAMD9L):c.4732G>A (p.Ala1578Thr)

Gene: SAMD9L (sterile alpha motif domain containing 9 like; minus strand). Cytogenetic location: 7q21.2.
Variant type: single nucleotide variant.
Coding change: c.4732G>A on transcript NM_152703.5 (MANE Select); coding-DNA position 4732, G replaced by A.
Protein change: p.Ala1578Thr; replaces alanine 1578 with threonine.
Molecular consequence: missense variant.
Genome position (GRCh38, 1-based): chr7:93,131,240, C>T on the plus strand (G>A on the coding strand, the complement: SAMD9L is on the minus strand). VCF-style: chr7-93131240-C-T. GRCh37 (hg19) VCF-style: chr7-92760553-C-T.
Other names: c.4732G>A, p.Ala1578Thr (NM_001303496.3, NM_001303497.3, NM_001303498.3 and 5 more transcripts); short protein forms A1578T.
Identifiers: ClinVar variation 3792522 (VCV003792522.2).

ClinVar aggregate classification (germline): Uncertain significance (1 of 4 stars; one submission).

Conditions:
Inborn genetic diseases. Identifiers: MedGen C0950123, MeSH D030342.

gnomAD v4.1: 1 of 1,571,658 alleles (0.000064%); no homozygotes.

Submission:

Ambry Genetics
Classification: Uncertain significance for Inborn genetic diseases. Last evaluated: 2025-05-02. Review status: criteria provided, single submitter. Criteria: Ambry Variant Classification Scheme 2023. Collection method: clinical testing. Allele origin: germline.
Comment: The p.A1578T variant (also known as c.4732G>A), located in coding exon 1 of the SAMD9L gene, results from a G to A substitution at nucleotide position 4732. The alanine at codon 1578 is replaced by threonine, an amino acid with similar properties. This amino acid position is conserved. In addition, the in silico prediction for this alteration is inconclusive. Based on the available evidence, the clinical significance of this variant remains unclear.